The following is an entry in ClinVar:

ClinVar aggregate classification (germline): Uncertain significance (1 of 4 stars; one submission).

gnomAD v4.1: 7 of 1,614,178 alleles (0.00043%); highest among the groups gnomAD compares: South Asian, 0.0022%; no homozygotes.

Submission:

Labcorp Genetics (formerly Invitae), Labcorp
Classification: Uncertain significance. Last evaluated: 2021-12-22. Review status: criteria provided, single submitter. Criteria: Invitae Variant Classification Sherloc (09022015). Collection method: clinical testing. Allele origin: germline.
Comment: This sequence change replaces alanine, which is neutral and non-polar, with threonine, which is neutral and polar, at codon 1093 of the CNTNAP1 protein (p.Ala1093Thr). This variant is present in population databases (no rsID available, gnomAD 0.003%). This variant has not been reported in the literature in individuals affected with CNTNAP1-related conditions. Algorithms developed to predict the effect of missense changes on protein structure and function are either unavailable or do not agree on the potential impact of this missense change (SIFT: "Deleterious"; PolyPhen-2: "Benign"; Align-GVGD: "Class C0"). In summary, the available evidence is currently insufficient to determine the role of this variant in disease. Therefore, it has been classified as a Variant of Uncertain Significance.

NM_003632.3(CNTNAP1):c.3277G>A (p.Ala1093Thr)

Gene: CNTNAP1 (contactin associated protein 1; plus strand). Cytogenetic location: 17q21.2.
Variant type: single nucleotide variant.
Coding change: c.3277G>A on transcript NM_003632.3 (MANE Select); coding-DNA position 3277, G replaced by A.
Protein change: p.Ala1093Thr; replaces alanine 1093 with threonine.
Molecular consequence: missense variant.
Genome position (GRCh38, 1-based): chr17:42,695,805, G>A. VCF-style: chr17-42695805-G-A. GRCh37 (hg19) VCF-style: chr17-40847823-G-A.
Other names: short protein forms A1093T.
Identifiers: ClinVar variation 1946688 (VCV001946688.2), dbSNP rs1290176252, ClinGen allele CA399624645.